The following is an entry in ClinVar:

ClinVar aggregate classification (germline): Uncertain significance (0 of 4 stars; one submission).

Conditions:
ALMS1-related disorder. Also called: ALMS1-related condition.

gnomAD v4.1: 1 of 1,613,940 alleles (0.000062%); highest among the groups gnomAD compares: Non-Finnish European, 0.000085%; no homozygotes.

Submission:

PreventionGenetics, part of Exact Sciences
Classification: Uncertain significance for ALMS1-related condition. Last evaluated: 2024-07-10. Review status: no assertion criteria provided. Collection method: clinical testing. Allele origin: germline.
Comment: The ALMS1 c.3100C>T variant is predicted to result in the amino acid substitution p.Pro1034Ser. To our knowledge, this variant has not been reported in the literature. This variant is reported in 0.012% of alleles in individuals of European (Non-Finnish) descent in gnomAD. At this time, the clinical significance of this variant is uncertain due to the absence of conclusive functional and genetic evidence.

NM_001378454.1(ALMS1):c.3097C>T (p.Pro1033Ser)

Gene: ALMS1 (ALMS1 centrosome and basal body associated protein; plus strand). Cytogenetic location: 2p13.1.
Variant type: single nucleotide variant.
Coding change: c.3097C>T on transcript NM_001378454.1 (MANE Select); coding-DNA position 3097, C replaced by T.
Protein change: p.Pro1033Ser; replaces proline 1033 with serine.
Molecular consequence: missense variant.
Genome position (GRCh38, 1-based): chr2:73,449,624, C>T. VCF-style: chr2-73449624-C-T. GRCh37 (hg19) VCF-style: chr2-73676751-C-T.
Other names: c.3100C>T, p.Pro1034Ser (NM_015120.4); short protein forms P1033S, P1034S.
Identifiers: ClinVar variation 3344507 (VCV003344507.1).